The following is an entry in ClinVar:

NC_000001.10:g.(?_45980159)_(45984715_?)dup

Gene: PRDX1 (peroxiredoxin 1; minus strand). Cytogenetic location: 1p34.1.
Variant type: Duplication.
Identifiers: ClinVar variation 2424484 (VCV002424484.4).

ClinVar aggregate classification (germline): Uncertain significance (1 of 4 stars; one submission).

Submission:

Labcorp Genetics (formerly Invitae), Labcorp
Classification: Uncertain significance. Last evaluated: 2022-05-12. Review status: criteria provided, single submitter. Criteria: Invitae Variant Classification Sherloc (09022015). Collection method: clinical testing. Allele origin: germline.
Comment: This variant results in a copy number gain of the genomic region encompassing exon(s) 2-5 of the PRDX1 gene. This region includes the initiator codon of the gene. This copy number gain extends beyond the assayed region for this gene and therefore may encompass additional genes. As the precise location of this event is unknown, it may be in tandem or it may be located elsewhere in the genome. This variant has not been reported in the literature in individuals affected with PRDX1-related conditions. In summary, the available evidence is currently insufficient to determine the role of this variant in disease. Therefore, it has been classified as a Variant of Uncertain Significance.